The following is an entry in ClinVar:

NM_004448.4(ERBB2):c.569G>C (p.Arg190Pro)

Gene: ERBB2 (erb-b2 receptor tyrosine kinase 2; plus strand). Cytogenetic location: 17q12.
Variant type: single nucleotide variant.
Coding change: c.569G>C on transcript NM_004448.4 (MANE Select); coding-DNA position 569, G replaced by C.
Protein change: p.Arg190Pro; replaces arginine 190 with proline.
Molecular consequence: missense variant. On other transcripts: non-coding transcript variant (1), intron variant (2).
Genome position (GRCh38, 1-based): chr17:39,709,447, G>C. VCF-style: chr17-39709447-G-C. GRCh37 (hg19) VCF-style: chr17-37865700-G-C.
Other names: c.479G>C, p.Arg160Pro (NM_001005862.3, NM_001289938.2, NM_001382782.1 and 1 more transcripts); c.524G>C, p.Arg175Pro (NM_001289936.2); c.569G>C, p.Arg190Pro (NM_001289937.2, NM_001382784.1, NM_001382785.1 and 17 more transcripts); c.644G>C, p.Arg215Pro (NM_001382787.1); c.560G>C, p.Arg187Pro (NM_001382791.1); c.440-411G>C (NM_001382799.1); c.74-2481G>C (NM_001382804.1); short protein forms R215P, R190P, R187P, R160P, R175P.
Identifiers: ClinVar variation 1448888 (VCV001448888.6), dbSNP rs531563820, ClinGen allele CA290423743.
Genomic context (GRCh38, chr17:39,709,447, plus strand): 5'-AGGACATCTTCCACAAGAACAACCAGCTGGCTCTCACACTGATAGACACCAACCGCTCTC[G>C]GGCCTGTAAGCCATGCCCCTCCCTGCTGCCTCTTCTCTCAGACAGCCTGACCCCAGCCGC-3'
Protein context (NP_004439.2, residues 180-200): ALTLIDTNRS[Arg190Pro]ACHPCSPMCK

ClinVar aggregate classification (germline): Uncertain significance (1 of 4 stars; one submission).

gnomAD v4.1: 56 of 1,613,834 alleles (0.0035%); highest among the groups gnomAD compares: Non-Finnish European, 0.0045%; no homozygotes.

Submission:

Labcorp Genetics (formerly Invitae), Labcorp
Classification: Uncertain significance. Last evaluated: 2025-12-22. Review status: criteria provided, single submitter. Criteria: Invitae Variant Classification Sherloc (09022015). Collection method: clinical testing. Allele origin: germline.
Comment: This sequence change replaces arginine, which is basic and polar, with proline, which is neutral and non-polar, at codon 190 of the ERBB2 protein (p.Arg190Pro). This variant is present in population databases (no rsID available, gnomAD 0.01%). This variant has not been reported in the literature in individuals affected with ERBB2-related conditions. ClinVar contains an entry for this variant (Variation ID: 1448888). Invitae Evidence Modeling of protein sequence and biophysical properties (such as structural, functional, and spatial information, amino acid conservation, physicochemical variation, residue mobility, and thermodynamic stability) indicates that this missense variant is not expected to disrupt ERBB2 protein function with a negative predictive value of 80%. In summary, the available evidence is currently insufficient to determine the role of this variant in disease. Therefore, it has been classified as a Variant of Uncertain Significance.